The following is an entry in ClinVar:

ClinVar aggregate classification (germline): Uncertain significance (1 of 4 stars; one submission).

gnomAD v4.1: 1 of 1,572,820 alleles (0.000064%); highest among the groups gnomAD compares: Non-Finnish European, 0.000086%; no homozygotes.

Submission:

Ambry Genetics
Classification: Uncertain significance. Last evaluated: 2025-05-16. Review status: criteria provided, single submitter. Criteria: Ambry Variant Classification Scheme 2023. Collection method: clinical testing. Allele origin: germline.
Comment: The p.M704I variant (also known as c.2112G>A), located in coding exon 9 of the WNK2 gene, results from a G to A substitution at nucleotide position 2112. The methionine at codon 704 is replaced by isoleucine, an amino acid with highly similar properties. This amino acid position is conserved. In addition, this alteration is predicted to be tolerated by in silico analysis. Based on the available evidence, the clinical significance of this variant remains unclear.

NM_006648.4(WNK2):c.2112G>A (p.Met704Ile)

Gene: WNK2 (WNK lysine deficient protein kinase 2; plus strand). Cytogenetic location: 9q22.31.
Variant type: single nucleotide variant.
Coding change: c.2112G>A on transcript NM_006648.4 (MANE Select); coding-DNA position 2112, G replaced by A.
Protein change: p.Met704Ile; replaces methionine 704 with isoleucine.
Molecular consequence: missense variant.
Genome position (GRCh38, 1-based): chr9:93,256,376, G>A. VCF-style: chr9-93256376-G-A. GRCh37 (hg19) VCF-style: chr9-96018658-G-A.
Other names: c.2112G>A, p.Met704Ile (NM_001282394.3); short protein forms M704I.
Identifiers: ClinVar variation 3982050 (VCV003982050.1).
Genomic context (GRCh38, chr9:93,256,376, plus strand): 5'-CTCTGTCCCGGCCCCCGCCTGCCCTCCGTCCCTCCAGCAGCACTTCCCGGATCCGGCCAT[G>A]AGCTTCGCCCCCGTGCTGCCGCCGCCCAGCACCCCCATGCCCACGGGCCCAGGCCAGCCA-3'
Protein context (NP_006639.3, residues 694-714): SLQQHFPDPA[Met704Ile]SFAPVLPPPS